The following is an entry in ClinVar:

ClinVar aggregate classification (germline): Uncertain significance (1 of 4 stars; one submission).

Submission:

CeGaT Center for Human Genetics Tuebingen
Classification: Uncertain significance. Last evaluated: 2025-08-01. Review status: criteria provided, single submitter. Criteria: CeGaT Center For Human Genetics Tuebingen Variant Classification Criteria Version 2. Collection method: clinical testing. Allele origin: germline. Affected: yes. Observed: 1 variant allele.
Comment: BPTF: PM2, PM4:Supporting

NM_182641.4(BPTF):c.136AGC[1] (p.Ser47del)

Gene: BPTF (bromodomain PHD finger transcription factor; plus strand). Cytogenetic location: 17q24.2.
Variant type: Microsatellite.
Coding change: c.136AGC[1] on transcript NM_182641.4 (MANE Select); one copy of the 3-base unit AGC starting at c.136; the reference has two copies in a row; one copy, 3 bases deleted.
Protein change: p.Ser47del; deletes serine 47.
Genome position (GRCh38, 1-based): chr17:67,825,863-67,825,865, AGC deleted; deleting any 3 consecutive bases within chr17:67,825,858-67,825,865 gives the same sequence; the position shown is the placement nearest the transcript's 3' end. VCF-style (leftmost placement, unchanged base first): chr17-67825857-GGCA-G. GRCh37 (hg19) VCF-style: chr17-65821973-GGCA-G.
Other names: c.136AGC[1], p.Ser47del (NM_001439139.1, NM_001439140.1, NM_001439141.1 and 4 more transcripts); short protein forms S47del.
Identifiers: ClinVar variation 4085839 (VCV004085839.8).